The following is an entry in ClinVar:

NM_002528.7(NTHL1):c.578G>T (p.Gly193Val)

Gene: NTHL1 (nth like DNA glycosylase 1; minus strand). Cytogenetic location: 16p13.3.
Variant type: single nucleotide variant.
Coding change: c.578G>T on transcript NM_002528.7 (MANE Select); coding-DNA position 578, G replaced by T.
Protein change: p.Gly193Val; replaces glycine 193 with valine.
Molecular consequence: missense variant.
Genome position (GRCh38, 1-based): chr16:2,043,674, C>A on the plus strand (G>T on the coding strand, the complement: NTHL1 is on the minus strand). VCF-style: chr16-2043674-C-A. GRCh37 (hg19) VCF-style: chr16-2093675-C-A.
Other names: c.407G>T, p.Gly136Val (NM_001318193.2); c.248G>T, p.Gly83Val (NM_001318194.2); c.602G>T (NM_002528.5); short protein forms G136V, G193V, G83V.
Identifiers: ClinVar variation 2630134 (VCV002630134.4), dbSNP rs1397844006, ClinGen allele CA394291934.
Genomic context (GRCh38, chr16:2,043,674, plus strand): 5'-ATCTTGGGCCCAACACCCGGCAGCGCCACCAGCTCGGCCACAGAGGCTGGGATGTCCCCA[C>A]CGTAGTGCTGCTGCAGGATGGCGCTGGTCTGCTTGATGTATTTCACCTTGCTCTGAAAGA-3'
Protein context (NP_002519.2, residues 183-203): QTSAILQQHY[Gly193Val]GDIPASVAEL

ClinVar aggregate classification (germline): Uncertain significance. Review status: criteria provided, multiple submitters, no conflicts (2 of 4 stars). 3 submissions from 3 submitters: Uncertain significance (3). Last evaluated 2025-06-28.

Conditions:
Hereditary cancer-predisposing syndrome. Also called: Neoplastic Syndromes, Hereditary; Hereditary Cancer Syndrome; Tumor predisposition; Hereditary neoplastic syndrome. Identifiers: Orphanet 140162, MedGen C0027672, MeSH D009386, MONDO:0015356.
Familial adenomatous polyposis 3. Also called: NTHL1-Related Adenomatous Polyposis and Colorectal Cancer; NTHL1-related attenuated familial adenomatous polyposis; NTHL1 Tumor Syndrome; NTHL1-associated polyposis. Identifiers: Orphanet 220460, Orphanet 454840, MedGen C4225157, MONDO:0014630, OMIM 616415.
NTHL1-related disorder. Also called: NTHL1-related conditions; NTHL1-related condition.

Allele frequency attached by ClinVar (database versions not stated): TOPMed below 0.00001.

Submissions (3):

Ambry Genetics
Classification: Uncertain significance for Hereditary cancer-predisposing syndrome. Last evaluated: 2025-06-28. Review status: criteria provided, single submitter. Criteria: Ambry Variant Classification Scheme 2023. Collection method: clinical testing. Allele origin: germline.
Comment: The p.G201V variant (also known as c.602G>T), located in coding exon 4 of the NTHL1 gene, results from a G to T substitution at nucleotide position 602. The glycine at codon 201 is replaced by valine, an amino acid with dissimilar properties. This amino acid position is conserved. In addition, this alteration is predicted to be tolerated by in silico analysis. Since supporting evidence is limited at this time, the clinical significance of this alteration remains unclear.

Baylor Genetics
Classification: Uncertain significance for Familial adenomatous polyposis 3. Last evaluated: 2024-02-06. Review status: criteria provided, single submitter. Criteria: ACMG Guidelines, 2015. Collection method: clinical testing. Allele origin: unknown.

PreventionGenetics, part of Exact Sciences
Classification: Uncertain significance for NTHL1-related condition. Last evaluated: 2023-02-23. Review status: criteria provided, single submitter. Criteria: ACMG Guidelines, 2015. Collection method: clinical testing. Allele origin: germline.
Comment: The NTHL1 c.602G>T variant is predicted to result in the amino acid substitution p.Gly201Val. To our knowledge, this variant has not been reported in the literature or in a large population database, indicating this variant is rare. At this time, the clinical significance of this variant is uncertain due to the absence of conclusive functional and genetic evidence.